The following is an entry in ClinVar:

NM_032043.3(BRIP1):c.536_538dup (p.Glu179dup)

Gene: BRIP1 (BRCA1 interacting DNA helicase 1; minus strand). Cytogenetic location: 17q23.2.
Variant type: Duplication.
Coding change: c.536_538dup on transcript NM_032043.3 (MANE Select); coding-DNA positions 536 to 538, 3 bases duplicated (AAG; older notation c.536_538dupAAG).
Protein change: p.Glu179dup; duplicates glutamic acid 179.
Molecular consequence: inframe insertion.
Genome position (GRCh38, 1-based): chr17:61,847,190-61,847,192, CTT duplicated on the plus strand (AAG on the coding strand, the reverse complement: BRIP1 is on the minus strand); duplicating any 3 consecutive bases within chr17:61,847,190-61,847,194 gives the same sequence; the c. name uses the placement nearest the transcript's 3' end. VCF-style (leftmost placement, unchanged base first): chr17-61847189-A-ACTT. GRCh37 (hg19) VCF-style: chr17-59924550-A-ACTT.
Other names: c.536_538dupAAG (NM_032043.2).
Identifiers: ClinVar variation 628052 (VCV000628052.9), dbSNP rs1567866837, ClinGen allele CA913188881.

ClinVar aggregate classification (germline): Uncertain significance. Review status: criteria provided, multiple submitters, no conflicts (2 of 4 stars). 3 submissions from 3 submitters: Uncertain significance (3). Last evaluated 2025-01-13.

Conditions:
Hereditary cancer-predisposing syndrome. Also called: Tumor predisposition; Neoplastic Syndromes, Hereditary; Hereditary Cancer Syndrome; Hereditary neoplastic syndrome. Identifiers: Orphanet 140162, MedGen C0027672, MeSH D009386, MONDO:0015356.
Familial cancer of breast. Also called: BREAST CANCER, FAMILIAL; Hereditary breast cancer; hereditary breast carcinoma. Identifiers: Orphanet 227535, MedGen C0346153, MONDO:0016419, OMIM 114480. Disease mechanism: loss of function.
Fanconi anemia complementation group J. Also called: BRIP1-Related Fanconi Anemia. Identifiers: Orphanet 84, MedGen C1836860, MONDO:0012187, OMIM 609054.

Submissions (3):

Ambry Genetics
Classification: Uncertain significance for Hereditary cancer-predisposing syndrome. Last evaluated: 2025-01-13. Review status: criteria provided, single submitter. Criteria: Ambry Variant Classification Scheme 2023. Collection method: clinical testing. Allele origin: germline.
Comment: The c.536_538dupAAG variant (also known as p.E179dup), located in coding exon 5 of the BRIP1 gene, results from an in-frame duplication of AAG at nucleotide positions 536 to 538. This results in the duplication of an extra glutamic acid residue between codons 179 and 180. This amino acid position is not well conserved in available vertebrate species. In addition, this alteration is predicted to be neutral by in silico analysis (Choi Y et al. PLoS ONE. 2012; 7(10):e46688). Based on the available evidence, the clinical significance of this variant remains unclear.

Labcorp Genetics (formerly Invitae), Labcorp
Classification: Uncertain significance for Familial cancer of breast; Fanconi anemia complementation group J. Last evaluated: 2023-11-02. Review status: criteria provided, single submitter. Criteria: Invitae Variant Classification Sherloc (09022015). Collection method: clinical testing. Allele origin: germline.
Comment: This variant, c.536_538dup, results in the insertion of 1 amino acid(s) of the BRIP1 protein (p.Glu179dup), but otherwise preserves the integrity of the reading frame. This variant is not present in population databases (gnomAD no frequency). This variant has not been reported in the literature in individuals affected with BRIP1-related conditions. ClinVar contains an entry for this variant (Variation ID: 628052). In summary, the available evidence is currently insufficient to determine the role of this variant in disease. Therefore, it has been classified as a Variant of Uncertain Significance.

Color Diagnostics, LLC DBA Color Health
Classification: Uncertain significance for Hereditary cancer-predisposing syndrome. Last evaluated: 2019-04-26. Review status: criteria provided, single submitter. Criteria: ACMG Guidelines, 2015. Collection method: clinical testing. Allele origin: germline.